The following is an entry in ClinVar:

ClinVar aggregate classification (germline): Uncertain significance (1 of 4 stars; one submission).

Conditions:
Charcot-Marie-Tooth disease axonal type 2O. Also called: CHARCOT-MARIE-TOOTH NEUROPATHY, AXONAL, TYPE 2O; CHARCOT-MARIE-TOOTH DISEASE, AXONAL, AUTOSOMAL DOMINANT, TYPE 2O; Charcot-Marie-Tooth Neuropathy Type 2O; Charcot-Marie-Tooth disease, axonal, type 20. Identifiers: Orphanet 284232, MedGen C3280220, MONDO:0013644, OMIM 614228.

Submission:

Labcorp Genetics (formerly Invitae), Labcorp
Classification: Uncertain significance for Charcot-Marie-Tooth disease axonal type 2O. Last evaluated: 2021-11-08. Review status: criteria provided, single submitter. Criteria: Invitae Variant Classification Sherloc (09022015). Collection method: clinical testing. Allele origin: germline.
Comment: In summary, the available evidence is currently insufficient to determine the role of this variant in disease. Therefore, it has been classified as a Variant of Uncertain Significance. This variant has not been reported in the literature in individuals affected with DYNC1H1-related conditions. This variant is a gross deletion of the genomic region encompassing exon(s) 12-78 of the DYNC1H1 gene, which includes the termination codon. This deletion extends beyond the assayed region for this gene and therefore may encompass additional genes. While this deletion is not anticipated to lead to nonsense mediated decay, it is expected to alter mRNA translation or result in a truncated protein product.

NC_000014.8:g.(?_102460501)_(102516900_?)del

Gene: DYNC1H1 (dynein cytoplasmic 1 heavy chain 1; plus strand). Cytogenetic location: 14q32.31.
Variant type: Deletion.
Identifiers: ClinVar variation 2424153 (VCV002424153.4).